The following is an entry in ClinVar:

NM_004991.4(MECOM):c.2120T>G (p.Met707Arg)

Gene: MECOM (MDS1 and EVI1 complex locus; minus strand). Cytogenetic location: 3q26.2.
Variant type: single nucleotide variant.
Coding change: c.2120T>G on transcript NM_004991.4 (MANE Select); coding-DNA position 2120, T replaced by G.
Protein change: p.Met707Arg; replaces methionine 707 with arginine.
Molecular consequence: missense variant.
Genome position (GRCh38, 1-based): chr3:169,115,752, A>C on the plus strand (T>G on the coding strand, the complement: MECOM is on the minus strand). VCF-style: chr3-169115752-A-C. GRCh37 (hg19) VCF-style: chr3-168833540-A-C.
Other names: c.1751T>G, p.Met584Arg (NM_001105077.4); c.1556T>G, p.Met519Arg (NM_001105078.4, NM_001164000.2, NM_001205194.2 and 4 more transcripts); c.1559T>G, p.Met520Arg (NM_001163999.2, NM_001366467.2, NM_001366468.2 and 1 more transcripts); c.2120T>G, p.Met707Arg (NM_001366466.2); c.1148T>G, p.Met383Arg (NM_001366473.2); c.584T>G, p.Met195Arg (NM_001366474.2); short protein forms M383R, M519R, M520R, M584R, M195R, M707R.
Identifiers: ClinVar variation 4105841 (VCV004105841.1).

ClinVar aggregate classification (germline): Uncertain significance (1 of 4 stars; one submission).

Conditions:
Inborn genetic diseases. Identifiers: MedGen C0950123, MeSH D030342.

gnomAD v4.1: 4 of 1,614,058 alleles (0.00025%); highest among the groups gnomAD compares: Non-Finnish European, 0.00034%; no homozygotes.

Submission:

Ambry Genetics
Classification: Uncertain significance for Inborn genetic diseases. Last evaluated: 2025-08-09. Review status: criteria provided, single submitter. Criteria: Ambry Variant Classification Scheme 2023. Collection method: clinical testing. Allele origin: germline.
Comment: The p.M707R variant (also known as c.2120T>G), located in coding exon 8 of the MECOM gene, results from a T to G substitution at nucleotide position 2120. The methionine at codon 707 is replaced by arginine, an amino acid with similar properties. This amino acid position is conserved. In addition, the in silico prediction for this alteration is inconclusive. Based on the available evidence, the clinical significance of this variant remains unclear.